The following is an entry in ClinVar:

NM_000163.5(GHR):c.726G>A (p.Glu242=)

Gene: GHR (growth hormone receptor; plus strand). Cytogenetic location: 5p12.
Variant type: single nucleotide variant.
Coding change: c.726G>A on transcript NM_000163.5 (MANE Select); coding-DNA position 726, G replaced by A.
Protein change: p.Glu242=; no amino-acid change (glutamic acid 242 retained).
Molecular consequence: synonymous variant.
Genome position (GRCh38, 1-based): chr5:42,711,314, G>A. VCF-style: chr5-42711314-G-A. GRCh37 (hg19) VCF-style: chr5-42711416-G-A.
Other names: c.747G>A, p.Glu249= (NM_001242399.2); c.726G>A, p.Glu242= (NM_001242400.2, NM_001242401.4, NM_001242402.2 and 5 more transcripts); c.660G>A, p.Glu220= (NM_001242460.2).
Identifiers: ClinVar variation 1705185 (VCV001705185.1), dbSNP rs45588036, ClinGen allele CA443847944.

ClinVar aggregate classification (germline): Likely benign (1 of 4 stars; one submission).

Submission:

Women's Health and Genetics/Laboratory Corporation of America, LabCorp
Classification: Likely benign. Last evaluated: 2022-08-24. Review status: criteria provided, single submitter. Criteria: LabCorp Variant Classification Summary - May 2015. Collection method: clinical testing. Allele origin: germline.
Comment: Variant summary: GHR c.726G>A alters a conserved nucleotide resulting in a synonymous change. Three computational tools predict the variant has no significant impact on splicing and one predicts the variant abolishes a cryptic 5' donor site. However, these predictions have yet to be confirmed by functional studies. The variant was absent in 251374 control chromosomes (gnomAD). The available data on variant occurrences in the general population are insufficient to allow any conclusion about variant significance. To our knowledge, no occurrence of c.726G>A in individuals affected with Growth Hormone Insensitivity and no experimental evidence demonstrating its impact on protein function have been reported. No clinical diagnostic laboratories have submitted clinical-significance assessments for this variant to ClinVar after 2014. Based on the evidence outlined above, the variant was classified as likely benign.